The following is an entry in ClinVar:

NM_000138.5(FBN1):c.2114-2A>C

Gene: FBN1 (fibrillin 1; minus strand). Cytogenetic location: 15q21.1.
Variant type: single nucleotide variant.
Coding change: c.2114-2A>C on transcript NM_000138.5 (MANE Select); the canonical splice acceptor site of the intron before coding-DNA position 2114, A replaced by C.
Molecular consequence: splice acceptor variant.
Genome position (GRCh38, 1-based): chr15:48,499,040, T>G on the plus strand (A>C on the coding strand, the complement: FBN1 is on the minus strand). VCF-style: chr15-48499040-T-G. GRCh37 (hg19) VCF-style: chr15-48791237-T-G.
Other names: c.2114-2A>C (NM_001406716.1).
Identifiers: ClinVar variation 280189 (VCV000280189.13), dbSNP rs886041440, ClinGen allele CA10603342.

ClinVar aggregate classification (germline): Pathogenic. Review status: criteria provided, multiple submitters, no conflicts (2 of 4 stars). 2 submissions from 2 submitters: Pathogenic (2). Last evaluated 2020-06-07.

Conditions:
Marfan syndrome (MFS). Also called: Marfan syndrome type 1; Marfan's syndrome; MARFAN SYNDROME, TYPE I; Marfan syndrome, classic; FBN1-Related Marfan Syndrome. Identifiers: Orphanet 284963, Orphanet 558, MedGen C0024796, MONDO:0007947, OMIM 154700.
Familial thoracic aortic aneurysm and aortic dissection (TAAD). Also called: Thoracic aortic aneurysms and dissections. Identifiers: Orphanet 91387, MedGen C4707243, MONDO:0019625.

Submissions (2):

Labcorp Genetics (formerly Invitae), Labcorp
Classification: Pathogenic for Marfan syndrome; Familial thoracic aortic aneurysm and aortic dissection. Last evaluated: 2020-06-07. Review status: criteria provided, single submitter. Criteria: Invitae Variant Classification Sherloc (09022015). Collection method: clinical testing. Allele origin: germline.
Comment: This sequence change affects an acceptor splice site in intron 17 of the FBN1 gene. It is expected to disrupt RNA splicing and likely results in an absent or disrupted protein product. This variant is not present in population databases (ExAC no frequency). This variant has been observed in individual(s) with clinical features of Marfan syndrome (Invitae). ClinVar contains an entry for this variant (Variation ID: 280189). Algorithms developed to predict the effect of sequence changes on RNA splicing suggest that this variant may disrupt the consensus splice site, but this prediction has not been confirmed by published transcriptional studies. Donor and acceptor splice site variants typically lead to a loss of protein function (PMID: 16199547), and loss-of-function variants in FBN1 are known to be pathogenic (PMID: 17657824, 19293843). For these reasons, this variant has been classified as Pathogenic.

GeneDx
Classification: Pathogenic. Last evaluated: 2015-12-14. Review status: criteria provided, single submitter. Criteria: GeneDx Variant Classification (06012015). Collection method: clinical testing. Allele origin: germline. Affected: yes.
Comment: Although the c.2114-2 A>C variant has not been reported as a pathogenic variant or as a benign variant to our knowledge, a different nucleotide substitution at the same position (c.2114-2 A>G) has been reported in one individual with Marfan syndrome or Marfan-like phenotype and was absent from three unaffected relatives (Howarth et al., 2007). The c.2114-2 A>C variant destroys the canonical splice acceptor site in intron 17 and is predicted to cause abnormal gene splicing. This variant is predicted to lead to either an abnormal message that is subject to nonsense-mediated mRNA decay, or to an abnormal protein product if the message is used for protein translation. Other downstream splicing variants in the FBN1 gene have been reported in HGMD in association with Marfan syndrome (Stenson et al., 2014). Furthermore, the c.2114-2 A>C variant was not observed in approximately 6,500 individuals of European and African American ancestry in the NHLBI Exome Sequencing Project, indicating it is not a common benign variant in these populations. In summary, c.2114-2 A>C in the FBN1 gene is interpreted as a pathogenic variant.

Literature cited by the submitters: PubMed 16199547 (cited by Labcorp Genetics (formerly Invitae), Labcorp); PubMed 17657824 (cited by Labcorp Genetics (formerly Invitae), Labcorp); PubMed 19293843 (cited by Labcorp Genetics (formerly Invitae), Labcorp).